The following is an entry in ClinVar:

ClinVar aggregate classification (germline): Benign/Likely benign. Review status: criteria provided, multiple submitters, no conflicts (2 of 4 stars). 3 submissions from 3 submitters: Benign (1); Likely benign (2). Last evaluated 2025-10-13.

Conditions:
Papillary renal cell carcinoma type 1 (RCCP1). Also called: Renal adenocarcinoma; Renal cell carcinoma 1; Renal cell carcinoma, somatic; RENAL CELL CARCINOMA, PAPILLARY, 1, SOMATIC. Identifiers: Orphanet 47044, MedGen C1336839, OMIM 605074, HP:0011797.
Renal cell carcinoma. Identifiers: Orphanet 217071, MedGen C0007134, MeSH D002292, MONDO:0005086, HP:0005584.
Hereditary cancer-predisposing syndrome. Also called: Tumor predisposition; Hereditary Cancer Syndrome; Hereditary neoplastic syndrome; Neoplastic Syndromes, Hereditary. Identifiers: Orphanet 140162, MedGen C0027672, MeSH D009386, MONDO:0015356.

Allele frequency attached by ClinVar (database versions not stated): TOPMed 0.00001; gnomAD exomes 0.00002.
gnomAD v4.1: 24 of 1,614,084 alleles (0.0015%); highest among the groups gnomAD compares: Non-Finnish European, 0.002%; no homozygotes.

Submissions (3):

Labcorp Genetics (formerly Invitae), Labcorp
Classification: Likely benign for Renal cell carcinoma. Last evaluated: 2025-10-13. Review status: criteria provided, single submitter. Criteria: Invitae Variant Classification Sherloc (09022015). Collection method: clinical testing. Allele origin: germline.

Myriad Genetics, Inc.
Classification: Benign for Papillary renal cell carcinoma type 1. Last evaluated: 2024-11-07. Review status: criteria provided, single submitter. Criteria: Myriad Autosomal Dominant, Autosomal Recessive and X-Linked Classification Criteria (2023). Collection method: clinical testing. Allele origin: unknown.
Comment: This variant is considered benign. This variant is a silent/synonymous amino acid change and it is not expected to impact splicing.

Ambry Genetics
Classification: Likely benign for Hereditary cancer-predisposing syndrome. Last evaluated: 2019-12-29. Review status: criteria provided, single submitter. Criteria: Ambry Variant Classification Scheme 2023. Collection method: clinical testing. Allele origin: germline.

NM_000245.4(MET):c.1476G>T (p.Val492=)

Gene: MET (MET proto-oncogene, receptor tyrosine kinase; plus strand). Cytogenetic location: 7q31.2.
Variant type: single nucleotide variant.
Coding change: c.1476G>T on transcript NM_000245.4 (MANE Select); coding-DNA position 1476, G replaced by T.
Protein change: p.Val492=; no amino-acid change (valine 492 retained).
Molecular consequence: synonymous variant.
Genome position (GRCh38, 1-based): chr7:116,740,033, G>T. VCF-style: chr7-116740033-G-T. GRCh37 (hg19) VCF-style: chr7-116380087-G-T.
Other names: c.1476G>T, p.Val492= (NM_001127500.3, NM_001324401.3); c.186G>T, p.Val62= (NM_001324402.2).
Identifiers: ClinVar variation 1566055 (VCV001566055.11), dbSNP rs528788133, ClinGen allele CA4448167.
Genomic context (GRCh38, chr7:116,740,033, plus strand): 5'-ATCAACCCCTCATGTGAATTTTCTCCTGGACTCCCATCCAGTGTCTCCAGAAGTGATTGT[G>T]GAGCATACATTAAACCAAAATGGCTACACACTGGTTATCACTGGGAAGAAGGTAAGCTGT-3'
Protein context (NP_000236.2, residues 482-502): DSHPVSPEVI[Val492=]EHTLNQNGYT